The following is an entry in ClinVar:

NM_000492.4(CFTR):c.2708A>G (p.Tyr903Cys)

Gene: CFTR (CF transmembrane conductance regulator; plus strand). Cytogenetic location: 7q31.2.
Variant type: single nucleotide variant.
Coding change: c.2708A>G on transcript NM_000492.4 (MANE Select); coding-DNA position 2708, A replaced by G.
Protein change: p.Tyr903Cys; replaces tyrosine 903 with cysteine.
Molecular consequence: missense variant.
Genome position (GRCh38, 1-based): chr7:117,603,582, A>G. VCF-style: chr7-117603582-A-G. GRCh37 (hg19) VCF-style: chr7-117243636-A-G.
Other names: short protein forms Y903C.
Identifiers: ClinVar variation 908328 (VCV000908328.8), dbSNP rs147297080, ClinGen allele CA4451277.
Genomic context (GRCh38, chr7:117,603,582, plus strand): 5'-TGCTTTACAGCACTCCTCTTCAAGACAAAGGGAATAGTACTCATAGTAGAAATAACAGCT[A>G]TGCAGTGATTATCACCAGCACCAGTTCGTATTATGTGTTTTACATTTACGTGGGAGTAGC-3'
Protein context (NP_000483.3, residues 893-913): GNSTHSRNNS[Tyr903Cys]AVIITSTSSY

ClinVar aggregate classification (germline): Uncertain significance. Review status: criteria provided, multiple submitters, no conflicts (2 of 4 stars). 4 submissions from 4 submitters: Uncertain significance (4). Last evaluated 2024-12-04.

Conditions:
CFTR-related disorder (CFTR-RD). Also called: CFTR-related condition; CFTR-related disorders. Identifiers: MedGen C5924204, MONDO:7770004.
Cystic fibrosis (CF). Also called: MUCOVISCIDOSIS. Identifiers: Orphanet 586, MedGen C0010674, MONDO:0009061, OMIM 219700. Disease mechanism: loss of function.

Allele frequency attached by ClinVar (database versions not stated): gnomAD exomes below 0.00001; gnomAD 0.00001 and 0.00002; ExAC 0.00002; TOPMed 0.00002; ESP Exome Variant Server 0.00008.
gnomAD v4.1: 8 of 1,613,496 alleles (0.0005%); highest among the groups gnomAD compares: Non-Finnish European, 0.00068%; no homozygotes.

Submissions (4):

PreventionGenetics, part of Exact Sciences
Classification: Uncertain significance for CFTR-related condition. Last evaluated: 2024-12-04. Review status: criteria provided, single submitter. Criteria: ACMG Guidelines, 2015. Collection method: clinical testing. Allele origin: germline.
Comment: The CFTR c.2708A>G variant is predicted to result in the amino acid substitution p.Tyr903Cys. To our knowledge, this variant has not been reported in the literature. This variant is reported in 0.0015% of alleles in individuals of European (Non-Finnish) descent in gnomAD, and is interpreted as a variant of uncertain significance in ClinVar. At this time, the clinical significance of this variant is uncertain due to the absence of conclusive functional and genetic evidence.

Labcorp Genetics (formerly Invitae), Labcorp
Classification: Uncertain significance for Cystic fibrosis. Last evaluated: 2022-04-24. Review status: criteria provided, single submitter. Criteria: Invitae Variant Classification Sherloc (09022015). Collection method: clinical testing. Allele origin: germline.
Comment: This sequence change replaces tyrosine, which is neutral and polar, with cysteine, which is neutral and slightly polar, at codon 903 of the CFTR protein (p.Tyr903Cys). The frequency data for this variant in the population databases is considered unreliable, as metrics indicate poor data quality at this position in the gnomAD database. This variant has not been reported in the literature in individuals affected with CFTR-related conditions. ClinVar contains an entry for this variant (Variation ID: 908328). Algorithms developed to predict the effect of missense changes on protein structure and function are either unavailable or do not agree on the potential impact of this missense change (SIFT: "Deleterious"; PolyPhen-2: "Benign"; Align-GVGD: "Class C0"). In summary, the available evidence is currently insufficient to determine the role of this variant in disease. Therefore, it has been classified as a Variant of Uncertain Significance.

Ambry Genetics
Classification: Uncertain significance for Cystic fibrosis. Last evaluated: 2022-03-23. Review status: criteria provided, single submitter. Criteria: Ambry Variant Classification Scheme 2023. Collection method: clinical testing. Allele origin: germline.
Comment: The p.Y903C variant (also known as c.2708A>G), located in coding exon 17 of the CFTR gene, results from an A to G substitution at nucleotide position 2708. The tyrosine at codon 903 is replaced by cysteine, an amino acid with highly dissimilar properties. This amino acid position is not well conserved in available vertebrate species. In addition, the in silico prediction for this alteration is inconclusive. Since supporting evidence is limited at this time, the clinical significance of this alteration remains unclear.

Illumina Laboratory Services, Illumina
Classification: Uncertain significance for CFTR-Related Disorders. Last evaluated: 2018-01-13. Review status: criteria provided, single submitter. Criteria: ICSL Variant Classification Criteria 13 December 2019. Collection method: clinical testing. Allele origin: germline.